The following is an entry in ClinVar:

NM_001395413.1(POR):c.323G>A (p.Arg108Gln)

Gene: POR (cytochrome p450 oxidoreductase; plus strand). Cytogenetic location: 7q11.23.
Variant type: single nucleotide variant.
Coding change: c.323G>A on transcript NM_001395413.1 (MANE Select); coding-DNA position 323, G replaced by A.
Protein change: p.Arg108Gln; replaces arginine 108 with glutamine.
Molecular consequence: missense variant.
Genome position (GRCh38, 1-based): chr7:75,979,545, G>A. VCF-style: chr7-75979545-G-A. GRCh37 (hg19) VCF-style: chr7-75608863-G-A.
Other names: c.332G>A, p.Arg111Gln (NM_000941.2, NM_000941.3); c.323G>A, p.Arg108Gln (NM_001367562.3, NM_001382657.2, NM_001382658.3 and 2 more transcripts); c.377G>A, p.Arg126Gln (NM_001382655.3); short protein forms R108Q, R111Q, R126Q.
Identifiers: ClinVar variation 2022068 (VCV002022068.2), dbSNP rs1482731983, ClinGen allele CA367747503.

ClinVar aggregate classification (germline): Uncertain significance. Review status: criteria provided, multiple submitters, no conflicts (2 of 4 stars). 2 submissions from 2 submitters: Uncertain significance (2). Last evaluated 2023-08-31.

Conditions:
Congenital adrenal hyperplasia due to cytochrome P450 oxidoreductase deficiency. Also called: DISORDERED STEROIDOGENESIS DUE TO POR DEFICIENCY. Identifiers: Orphanet 95699, MedGen C1860042, MONDO:0013310, OMIM 613571.

Allele frequency attached by ClinVar (database versions not stated): gnomAD exomes 0.00001; gnomAD 0.00002; TOPMed 0.00002.
gnomAD v4.1: 18 of 1,613,516 alleles (0.0011%); highest among the groups gnomAD compares: Non-Finnish European, 0.0014%; no homozygotes.

Submissions (2):

Blueprint Genetics
Classification: Uncertain significance. Last evaluated: 2023-08-31. Review status: criteria provided, single submitter. Criteria: ACMG Guidelines, 2015. Collection method: clinical testing. Allele origin: germline.

Labcorp Genetics (formerly Invitae), Labcorp
Classification: Uncertain significance for Congenital adrenal hyperplasia due to cytochrome P450 oxidoreductase deficiency. Last evaluated: 2022-05-05. Review status: criteria provided, single submitter. Criteria: Invitae Variant Classification Sherloc (09022015). Collection method: clinical testing. Allele origin: germline.
Comment: This sequence change replaces arginine, which is basic and polar, with glutamine, which is neutral and polar, at codon 111 of the POR protein (p.Arg111Gln). This variant is present in population databases (no rsID available, gnomAD 0.0009%). This variant has not been reported in the literature in individuals affected with POR-related conditions. Algorithms developed to predict the effect of missense changes on protein structure and function are either unavailable or do not agree on the potential impact of this missense change (SIFT: "Deleterious"; PolyPhen-2: "Benign"; Align-GVGD: "Class C0"). In summary, the available evidence is currently insufficient to determine the role of this variant in disease. Therefore, it has been classified as a Variant of Uncertain Significance.